The following is an entry in ClinVar:

NM_138694.4(PKHD1):c.6499C>T (p.Gln2167Ter)

Gene: PKHD1 (PKHD1 ciliary IPT domain containing fibrocystin/polyductin; minus strand). Cytogenetic location: 6p12.2.
Variant type: single nucleotide variant.
Coding change: c.6499C>T on transcript NM_138694.4 (MANE Select); coding-DNA position 6499, C replaced by T.
Protein change: p.Gln2167Ter; replaces glutamine 2167 with a stop codon.
Molecular consequence: nonsense.
Genome position (GRCh38, 1-based): chr6:51,909,466, G>A on the plus strand (C>T on the coding strand, the complement: PKHD1 is on the minus strand). VCF-style: chr6-51909466-G-A. GRCh37 (hg19) VCF-style: chr6-51774264-G-A.
Other names: c.6499C>T, p.Gln2167Ter (NM_170724.3); short protein forms Q2167*.
Identifiers: ClinVar variation 167485 (VCV000167485.12), dbSNP rs368263958, ClinGen allele CA234569.
Genomic context (GRCh38, chr6:51,909,466, plus strand): 5'-CTCTGGCTCCCATATCCCTGGATCCTAGCATCTTCTCACTCATGGAATACAAACAGTGCT[G>A]CAGATTACCTGAAATGCAAAATAAAGTCCAGAGAACCTAAAGCATGTAGAACATGCTTCC-3'

ClinVar aggregate classification (germline): Pathogenic. Review status: criteria provided, multiple submitters, no conflicts (2 of 4 stars). 2 submissions from 2 submitters: Pathogenic (2). Last evaluated 2022-04-14.

Conditions:
Autosomal recessive polycystic kidney disease (ARPKD). Also called: AR polycystic kidney disease. Identifiers: Orphanet 731, Orphanet 8378, MedGen C0085548, MeSH D017044, MONDO:0009889.

gnomAD v4.1: 1 of 1,612,358 alleles (0.000062%); highest among the groups gnomAD compares: Non-Finnish European, 0.000085%; no homozygotes.

Submissions (2):

Labcorp Genetics (formerly Invitae), Labcorp
Classification: Pathogenic for Autosomal recessive polycystic kidney disease. Last evaluated: 2022-04-14. Review status: criteria provided, single submitter. Criteria: Invitae Variant Classification Sherloc (09022015). Collection method: clinical testing. Allele origin: germline.
Comment: For these reasons, this variant has been classified as Pathogenic. Algorithms developed to predict the effect of sequence changes on RNA splicing suggest that this variant may disrupt the consensus splice site. ClinVar contains an entry for this variant (Variation ID: 167485). This variant has not been reported in the literature in individuals affected with PKHD1-related conditions. This variant is not present in population databases (gnomAD no frequency). This sequence change creates a premature translational stop signal (p.Gln2167*) in the PKHD1 gene. It is expected to result in an absent or disrupted protein product. Loss-of-function variants in PKHD1 are known to be pathogenic (PMID: 19940839).

Eurofins Ntd Llc (ga)
Classification: Pathogenic. Last evaluated: 2014-01-16. Review status: criteria provided, single submitter. Criteria: EGL Classification Definitions. Collection method: clinical testing. Allele origin: germline. Observed: 1 variant allele, 1 homozygote.

Literature cited by the submitters: PubMed 19940839 (cited by Labcorp Genetics (formerly Invitae), Labcorp).